The following is an entry in ClinVar:

NM_004036.5(ADCY3):c.116C>T (p.Ser39Leu)

Gene: ADCY3 (adenylate cyclase 3; minus strand). Cytogenetic location: 2p23.3.
Variant type: single nucleotide variant.
Coding change: c.116C>T on transcript NM_004036.5 (MANE Select); coding-DNA position 116, C replaced by T.
Protein change: p.Ser39Leu; replaces serine 39 with leucine.
Molecular consequence: missense variant.
Genome position (GRCh38, 1-based): chr2:24,918,872, G>A on the plus strand (C>T on the coding strand, the complement: ADCY3 is on the minus strand). VCF-style: chr2-24918872-G-A. GRCh37 (hg19) VCF-style: chr2-25141741-G-A.
Other names: c.116C>T, p.Ser39Leu (NM_001320613.2, NM_001377128.1, NM_001377129.1 and 2 more transcripts); short protein forms S39L.
Identifiers: ClinVar variation 5000946 (VCV005000946.1).

ClinVar aggregate classification (germline): Uncertain significance (1 of 4 stars; one submission).

Conditions:
ADCY3-related disorder. Also called: ADCY3-related condition.

gnomAD v4.1: 2 of 1,613,130 alleles (0.00012%); highest among the groups gnomAD compares: Admixed American, 0.0017%; no homozygotes.

Submission:

PreventionGenetics, part of Exact Sciences
Classification: Uncertain significance for ADCY3-related condition. Last evaluated: 2025-10-31. Review status: criteria provided, single submitter. Criteria: ACMG Guidelines, 2015. Collection method: clinical testing. Allele origin: germline.
Comment: The ADCY3 c.116C>T variant is predicted to result in the amino acid substitution p.Ser39Leu. To our knowledge, this variant has not been reported in the literature. This variant is reported in 0.0063% of alleles in individuals of African descent in gnomAD. At this time, the clinical significance of this variant is uncertain due to the absence of conclusive functional and genetic evidence.